The following is an entry in ClinVar:

NM_000492.4(CFTR):c.3469-2880_3717+2150del

Genes: CFTR (CF transmembrane conductance regulator; plus strand), CFTR-AS2 (CFTR antisense RNA 2; minus strand), LOC113633876 (CFTR intron 18b DNase I hypersensitive site; plus strand). Cytogenetic location: 7q31.2.
Variant type: Deletion.
Coding change: c.3469-2880_3717+2150del on transcript NM_000492.4 (MANE Select); 2880 bases into the intron before coding-DNA position 3469 through 2150 bases into the intron after coding-DNA position 3717, 5,279 bases deleted.
Molecular consequence: splice acceptor variant, splice donor variant.
Genome position (GRCh38, 1-based): chr7:117,624,642-117,629,920, 5,279 bases deleted. GRCh37 (hg19): chr7:117,264,696-117,269,974.
Identifiers: ClinVar variation 818156 (VCV000818156.1), ClinGen allele CA915945441.

ClinVar aggregate classification (germline): Pathogenic (1 of 4 stars; one submission).

Conditions:
Cystic fibrosis (CF). Also called: MUCOVISCIDOSIS. Identifiers: Orphanet 586, MedGen C0010674, MONDO:0009061, OMIM 219700. Disease mechanism: loss of function.
CFTR-related disorder (CFTR-RD). Also called: CFTR-related disorders; CFTR-related condition. Identifiers: MedGen C5924204, MONDO:7770004.

Submission:

CFTR-France
Classification: Pathogenic for cystic fibrosis; CFTR-related disorders. Last evaluated: 2018-01-29. Review status: criteria provided, single submitter. Criteria: Claustres M et al. (Hum Mutat 2017). Collection method: curation. Allele origin: germline. Affected: yes.
Comment: the variant causes a phenotype but regarding our data, we can't formally attribute it to CF, CFTR-RD or both